The following is an entry in ClinVar:

NM_017433.5(MYO3A):c.2917C>T (p.Arg973Trp)

Gene: MYO3A (myosin IIIA; plus strand). Cytogenetic location: 10p12.1.
Variant type: single nucleotide variant.
Coding change: c.2917C>T on transcript NM_017433.5 (MANE Select); coding-DNA position 2917, C replaced by T.
Protein change: p.Arg973Trp; replaces arginine 973 with tryptophan.
Molecular consequence: missense variant.
Genome position (GRCh38, 1-based): chr10:26,157,433, C>T. VCF-style: chr10-26157433-C-T. GRCh37 (hg19) VCF-style: chr10-26446362-C-T.
Other names: short protein forms R973W.
Identifiers: ClinVar variation 3012441 (VCV003012441.3), dbSNP rs962335620, ClinGen allele CA204384526.
Genomic context (GRCh38, chr10:26,157,433, plus strand): 5'-AAACCAAATAGTGAGCGTCAGGCAAGAAAATATGACAAAGAGAAAGTTCTGCTACAGCTT[C>T]GGTACACAGGAATTCTGGAAACAGCAAGAATTCGAAGACTAGGATTCTCCCATCGGATAC-3'
Protein context (NP_059129.3, residues 963-983): YDKEKVLLQL[Arg973Trp]YTGILETARI

ClinVar aggregate classification (germline): Uncertain significance (1 of 4 stars; one submission).

Allele frequency attached by ClinVar (database versions not stated): gnomAD exomes 0.00001; TOPMed 0.00001; gnomAD 0.00002.
gnomAD v4.1: 18 of 1,614,012 alleles (0.0011%); highest among the groups gnomAD compares: East Asian, 0.0022%; no homozygotes.

Submission:

Labcorp Genetics (formerly Invitae), Labcorp
Classification: Uncertain significance. Last evaluated: 2023-10-23. Review status: criteria provided, single submitter. Criteria: Invitae Variant Classification Sherloc (09022015). Collection method: clinical testing. Allele origin: germline.
Comment: This sequence change replaces arginine, which is basic and polar, with tryptophan, which is neutral and slightly polar, at codon 973 of the MYO3A protein (p.Arg973Trp). This variant is present in population databases (no rsID available, gnomAD 0.005%). This variant has not been reported in the literature in individuals affected with MYO3A-related conditions. Advanced modeling of protein sequence and biophysical properties (such as structural, functional, and spatial information, amino acid conservation, physicochemical variation, residue mobility, and thermodynamic stability) performed at Invitae indicates that this missense variant is expected to disrupt MYO3A protein function with a positive predictive value of 80%. In summary, the available evidence is currently insufficient to determine the role of this variant in disease. Therefore, it has been classified as a Variant of Uncertain Significance.